The following is an entry in ClinVar:

ClinVar aggregate classification (germline): Uncertain significance (1 of 4 stars; one submission).

Allele frequency attached by ClinVar (database versions not stated): ExAC 0.00001; gnomAD 0.00001; gnomAD exomes 0.00002 and 0.00005; TOPMed 0.00002.
gnomAD v4.1: 76 of 1,614,066 alleles (0.0047%); highest among the groups gnomAD compares: Non-Finnish European, 0.0063%; no homozygotes.

Submission:

Labcorp Genetics (formerly Invitae), Labcorp
Classification: Uncertain significance. Last evaluated: 2022-04-18. Review status: criteria provided, single submitter. Criteria: Invitae Variant Classification Sherloc (09022015). Collection method: clinical testing. Allele origin: germline.
Comment: In summary, the available evidence is currently insufficient to determine the role of this variant in disease. Therefore, it has been classified as a Variant of Uncertain Significance. Algorithms developed to predict the effect of missense changes on protein structure and function (SIFT, PolyPhen-2, Align-GVGD) all suggest that this variant is likely to be tolerated. This variant has not been reported in the literature in individuals affected with MCM3AP-related conditions. This variant is present in population databases (rs747677317, gnomAD 0.006%). This sequence change replaces proline, which is neutral and non-polar, with leucine, which is neutral and non-polar, at codon 262 of the MCM3AP protein (p.Pro262Leu).

NM_003906.5(MCM3AP):c.785C>T (p.Pro262Leu)

Gene: MCM3AP (minichromosome maintenance complex component 3 associated protein; minus strand). Cytogenetic location: 21q22.3.
Variant type: single nucleotide variant.
Coding change: c.785C>T on transcript NM_003906.5 (MANE Select); coding-DNA position 785, C replaced by T.
Protein change: p.Pro262Leu; replaces proline 262 with leucine.
Molecular consequence: missense variant.
Genome position (GRCh38, 1-based): chr21:46,284,502, G>A on the plus strand (C>T on the coding strand, the complement: MCM3AP is on the minus strand). VCF-style: chr21-46284502-G-A. GRCh37 (hg19) VCF-style: chr21-47704416-G-A.
Other names: short protein forms P262L.
Identifiers: ClinVar variation 1349348 (VCV001349348.8), dbSNP rs747677317, ClinGen allele CA10077269.